The following is an entry in ClinVar:

NM_001243133.2(NLRP3):c.2334T>C (p.Cys778=)

Gene: NLRP3 (NLR family pyrin domain containing 3; plus strand). Cytogenetic location: 1q44.
Variant type: single nucleotide variant.
Coding change: c.2334T>C on transcript NM_001243133.2 (MANE Select); coding-DNA position 2334, T replaced by C.
Protein change: p.Cys778=; no amino-acid change (cysteine 778 retained).
Molecular consequence: synonymous variant.
Genome position (GRCh38, 1-based): chr1:247,434,115, T>C. VCF-style: chr1-247434115-T-C. GRCh37 (hg19) VCF-style: chr1-247597417-T-C.
Other names: c.2334T>C, p.Cys778= (NM_001079821.3, NM_001127461.3); c.2163T>C, p.Cys721= (NM_001127462.3, NM_183395.3); c.2340T>C, p.Cys780= (NM_004895.5).
Identifiers: ClinVar variation 4873737 (VCV004873737.2).
Genomic context (GRCh38, chr1:247,434,115, plus strand): 5'-CTGGTCAGGTGTGTTCTGATGCTTTCTGCCTCTGTTCTTGGCATGAAGGTTGGGGCGCTG[T>C]GGCCTCTCGCATGAGTGCTGCTTCGACATCTCCTTGGTCCTCAGCAGCAACCAGAAGCTG-3'
Protein context (NP_001230062.1, residues 768-788): CNIRRLWLGR[Cys778=]GLSHECCFDI

ClinVar aggregate classification (germline): Likely benign (1 of 4 stars; one submission).

gnomAD v4.1: 10 of 1,420,376 alleles (0.0007%); highest among the groups gnomAD compares: Non-Finnish European, 0.00094%; no homozygotes.

Submission:

CeGaT Center for Human Genetics Tuebingen
Classification: Likely benign. Last evaluated: 2026-05-01. Review status: criteria provided, single submitter. Criteria: CeGaT Center For Human Genetics Tuebingen Variant Classification Criteria Version 2. Collection method: clinical testing. Allele origin: germline. Affected: yes. Observed: 1 variant allele.
Comment: NLRP3: BP4, BP7